The following is an entry in ClinVar:

ClinVar aggregate classification (germline): Benign/Likely benign. Review status: criteria provided, multiple submitters, no conflicts (2 of 4 stars). 3 submissions from 3 submitters: Benign (1); Likely benign (2). Last evaluated 2025-10-09.

Allele frequency attached by ClinVar (database versions not stated): gnomAD exomes 0.00007; gnomAD 0.00008; TOPMed 0.00008; ESP Exome Variant Server 0.00010.

Submissions (3):

Labcorp Genetics (formerly Invitae), Labcorp
Classification: Benign. Last evaluated: 2025-10-09. Review status: criteria provided, single submitter. Criteria: Invitae Variant Classification Sherloc (09022015). Collection method: clinical testing. Allele origin: germline.

Blueprint Genetics
Classification: Likely benign. Last evaluated: 2023-11-13. Review status: criteria provided, single submitter. Criteria: ACMG Guidelines, 2015. Collection method: clinical testing. Allele origin: germline.

CeGaT Center for Human Genetics Tuebingen
Classification: Likely benign. Last evaluated: 2022-05-01. Review status: criteria provided, single submitter. Criteria: CeGaT Center For Human Genetics Tuebingen Variant Classification Criteria Version 2. Collection method: clinical testing. Allele origin: germline. Affected: yes. Observed: 1 variant allele.
Comment: SOX3: BP4, BP7

NM_005634.3(SOX3):c.63G>T (p.Ala21=)

Genes: SOX3 (SRY-box transcription factor 3; minus strand), LOC108281134 (SOX3 promoter region; plus strand). Cytogenetic location: Xq27.1.
Variant type: single nucleotide variant.
Coding change: c.63G>T on transcript NM_005634.3 (MANE Select); coding-DNA position 63, G replaced by T.
Protein change: p.Ala21=; no amino-acid change (alanine 21 retained).
Molecular consequence: synonymous variant.
Genome position (GRCh38, 1-based): chrX:140,504,998, C>A on the plus strand (G>T on the coding strand, the complement: SOX3 is on the minus strand). VCF-style: chrX-140504998-C-A. GRCh37 (hg19) VCF-style: chrX-139587163-C-A.
Identifiers: ClinVar variation 2661544 (VCV002661544.26), dbSNP rs370357436, ClinGen allele CA10531683.